The following is an entry in ClinVar:

ClinVar aggregate classification (germline): Uncertain significance (1 of 4 stars; one submission).

Conditions:
Myopathy, centronuclear, 2 (CNM2). Also called: MYOTUBULAR MYOPATHY, AUTOSOMAL RECESSIVE. Identifiers: Orphanet 169186, MedGen CN031787, MONDO:0009709, OMIM 255200.

Submission:

Labcorp Genetics (formerly Invitae), Labcorp
Classification: Uncertain significance for Myopathy, centronuclear, 2. Last evaluated: 2020-09-24. Review status: criteria provided, single submitter. Criteria: Invitae Variant Classification Sherloc (09022015). Collection method: clinical testing. Allele origin: germline.
Comment: This sequence change replaces aspartic acid with glutamic acid at codon 222 of the BIN1 protein (p.Asp222Glu). The aspartic acid residue is moderately conserved and there is a small physicochemical difference between aspartic acid and glutamic acid. This variant is not present in population databases (ExAC no frequency). This variant has not been reported in the literature in individuals with BIN1-related conditions. Algorithms developed to predict the effect of missense changes on protein structure and function are either unavailable or do not agree on the potential impact of this missense change (SIFT: "Tolerated"; PolyPhen-2: "Possibly Damaging"; Align-GVGD: "Class C0"). In summary, the available evidence is currently insufficient to determine the role of this variant in disease. Therefore, it has been classified as a Variant of Uncertain Significance.

NM_139343.3(BIN1):c.666T>G (p.Asp222Glu)

Gene: BIN1 (bridging integrator 1; minus strand). Cytogenetic location: 2q14.3.
Variant type: single nucleotide variant.
Coding change: c.666T>G on transcript NM_139343.3 (MANE Select); coding-DNA position 666, T replaced by G.
Protein change: p.Asp222Glu; replaces aspartic acid 222 with glutamic acid.
Molecular consequence: missense variant.
Genome position (GRCh38, 1-based): chr2:127,063,965, A>C on the plus strand (T>G on the coding strand, the complement: BIN1 is on the minus strand). VCF-style: chr2-127063965-A-C. GRCh37 (hg19) VCF-style: chr2-127821541-A-C.
Other names: c.573T>G, p.Asp191Glu (NM_001320632.2, NM_001320641.2, NM_004305.4 and 6 more transcripts); c.666T>G, p.Asp222Glu (NM_001320633.2, NM_001320640.2, NM_139344.3 and 1 more transcripts); c.501T>G, p.Asp167Glu (NM_001320634.1); c.585T>G, p.Asp195Glu (NM_001320642.1); short protein forms D167E, D191E, D195E, D222E.
Identifiers: ClinVar variation 1015977 (VCV001015977.8), dbSNP rs376323215, ClinGen allele CA348382116.